The following is an entry in ClinVar:

NM_003468.4(FZD5):c.713G>A (p.Trp238Ter)

Gene: FZD5 (frizzled class receptor 5; minus strand). Cytogenetic location: 2q33.3.
Variant type: single nucleotide variant.
Coding change: c.713G>A on transcript NM_003468.4 (MANE Select); coding-DNA position 713, G replaced by A.
Protein change: p.Trp238Ter; replaces tryptophan 238 with a stop codon.
Molecular consequence: nonsense.
Genome position (GRCh38, 1-based): chr2:207,768,027, C>T on the plus strand (G>A on the coding strand, the complement: FZD5 is on the minus strand). VCF-style: chr2-207768027-C-T. GRCh37 (hg19) VCF-style: chr2-208632751-C-T.
Other names: short protein forms W238*.
Identifiers: ClinVar variation 2022894 (VCV002022894.4), dbSNP rs2470339229, ClinGen allele CA350086831.

ClinVar aggregate classification (germline): Uncertain significance (1 of 4 stars; one submission).

Submission:

Labcorp Genetics (formerly Invitae), Labcorp
Classification: Uncertain significance. Last evaluated: 2022-08-08. Review status: criteria provided, single submitter. Criteria: Invitae Variant Classification Sherloc (09022015). Collection method: clinical testing. Allele origin: germline.
Comment: This sequence change creates a premature translational stop signal (p.Trp238*) in the FZD5 gene. While this is not anticipated to result in nonsense mediated decay, it is expected to disrupt the last 348 amino acid(s) of the FZD5 protein. This variant is not present in population databases (gnomAD no frequency). This variant has not been reported in the literature in individuals affected with FZD5-related conditions. Experimental studies and prediction algorithms are not available or were not evaluated, and the functional significance of this variant is currently unknown. In summary, the available evidence is currently insufficient to determine the role of this variant in disease. Therefore, it has been classified as a Variant of Uncertain Significance.